The following is an entry in ClinVar:

ClinVar aggregate classification (germline): Uncertain significance. Review status: criteria provided, multiple submitters, no conflicts (2 of 4 stars). 2 submissions from 2 submitters: Uncertain significance (2). Last evaluated 2024-10-22.

Conditions:
Inborn genetic diseases. Identifiers: MedGen C0950123, MeSH D030342.

Allele frequency attached by ClinVar (database versions not stated): gnomAD 0.00001; TOPMed 0.00001.

Submissions (2):

Labcorp Genetics (formerly Invitae), Labcorp
Classification: Uncertain significance. Last evaluated: 2024-10-22. Review status: criteria provided, single submitter. Criteria: Invitae Variant Classification Sherloc (09022015). Collection method: clinical testing. Allele origin: germline.
Comment: This sequence change replaces glycine, which is neutral and non-polar, with arginine, which is basic and polar, at codon 1080 of the GRIN2D protein (p.Gly1080Arg). The frequency data for this variant in the population databases is considered unreliable, as metrics indicate insufficient coverage at this position in the gnomAD database. This variant has not been reported in the literature in individuals affected with GRIN2D-related conditions. ClinVar contains an entry for this variant (Variation ID: 2612386). Invitae Evidence Modeling of protein sequence and biophysical properties (such as structural, functional, and spatial information, amino acid conservation, physicochemical variation, residue mobility, and thermodynamic stability) indicates that this missense variant is not expected to disrupt GRIN2D protein function with a negative predictive value of 95%. In summary, the available evidence is currently insufficient to determine the role of this variant in disease. Therefore, it has been classified as a Variant of Uncertain Significance.

Ambry Genetics
Classification: Uncertain significance for Inborn genetic diseases. Last evaluated: 2023-07-17. Review status: criteria provided, single submitter. Criteria: Ambry Variant Classification Scheme 2023. Collection method: clinical testing. Allele origin: germline.

NM_000836.4(GRIN2D):c.3238G>C (p.Gly1080Arg)

Gene: GRIN2D (glutamate ionotropic receptor NMDA type subunit 2D; plus strand). Cytogenetic location: 19q13.33.
Variant type: single nucleotide variant.
Coding change: c.3238G>C on transcript NM_000836.4 (MANE Select); coding-DNA position 3238, G replaced by C.
Protein change: p.Gly1080Arg; replaces glycine 1080 with arginine.
Molecular consequence: missense variant.
Genome position (GRCh38, 1-based): chr19:48,443,164, G>C. VCF-style: chr19-48443164-G-C. GRCh37 (hg19) VCF-style: chr19-48946421-G-C.
Other names: short protein forms G1080R.
Identifiers: ClinVar variation 2612386 (VCV002612386.5), dbSNP rs1482547477, ClinGen allele CA406675171.